The following is an entry in ClinVar:

ClinVar aggregate classification (germline): Conflicting classifications of pathogenicity. Review status: criteria provided, conflicting classifications (1 of 4 stars). 2 submissions from 2 submitters: Uncertain significance (1); Likely benign (1). Last evaluated 2025-12-27.

Conditions:
Dilated cardiomyopathy 1DD (CMD1DD). Identifiers: Orphanet 154, MedGen C2750995, MONDO:0013168, OMIM 613172.

Allele frequency attached by ClinVar (database versions not stated): 1000 Genomes Project 0.00020; gnomAD exomes 0.00001; TOPMed 0.00001; gnomAD 0.00002 and 0.00003; 1000 Genomes Project 30x 0.00016.
gnomAD v4.1: 20 of 1,551,750 alleles (0.0013%); highest among the groups gnomAD compares: East Asian, 0.0024%; no homozygotes.

Submissions (2):

Labcorp Genetics (formerly Invitae), Labcorp
Classification: Likely benign for Dilated cardiomyopathy 1DD. Last evaluated: 2025-12-27. Review status: criteria provided, single submitter. Criteria: Invitae Variant Classification Sherloc (09022015). Collection method: clinical testing. Allele origin: germline.

GeneDx
Classification: Uncertain significance. Last evaluated: 2024-05-06. Review status: criteria provided, single submitter. Criteria: GeneDx Variant Classification Process June 2021. Collection method: clinical testing. Allele origin: germline. Affected: yes.
Comment: Identified in patients with early-onset atrial fibrillation and left ventricular noncompaction cardiomyopathy (LVNC) in published literature (PMID: 35893073, 38510713); Not observed at significant frequency in large population cohorts (gnomAD); A published functional study suggests the p.(P411L) variant results in a modest reduction of RBM20 expression (PMID: 38510713); In silico analysis supports that this missense variant has a deleterious effect on protein structure/function; This variant is associated with the following publications: (PMID: 35893073, 38510713)

NM_001134363.3(RBM20):c.1232C>T (p.Pro411Leu)

Gene: RBM20 (RNA binding motif protein 20; plus strand). Cytogenetic location: 10q25.2.
Variant type: single nucleotide variant.
Coding change: c.1232C>T on transcript NM_001134363.3 (MANE Select); coding-DNA position 1232, C replaced by T.
Protein change: p.Pro411Leu; replaces proline 411 with leucine.
Molecular consequence: missense variant.
Genome position (GRCh38, 1-based): chr10:110,781,841, C>T. VCF-style: chr10-110781841-C-T. GRCh37 (hg19) VCF-style: chr10-112541599-C-T.
Other names: c.1232C>T (NM_001134363.1); short protein forms P411L.
Identifiers: ClinVar variation 842875 (VCV000842875.9), dbSNP rs552114741, ClinGen allele CA213235169.